The following is an entry in ClinVar:

NM_001286445.3(RIPOR2):c.502-10A>C

Gene: RIPOR2 (RHO family interacting cell polarization regulator 2; minus strand). Cytogenetic location: 6p22.3.
Variant type: single nucleotide variant.
Coding change: c.502-10A>C on transcript NM_001286445.3 (MANE Select); 10 bases into the intron before coding-DNA position 502, A replaced by C.
Molecular consequence: intron variant.
Genome position (GRCh38, 1-based): chr6:24,865,460, T>G on the plus strand (A>C on the coding strand, the complement: RIPOR2 is on the minus strand). VCF-style: chr6-24865460-T-G. GRCh37 (hg19) VCF-style: chr6-24865688-T-G.
Other names: c.415-10A>C (NM_014722.4, NM_001346031.2, NM_014722.5 and 3 more transcripts); c.517-10A>C (NM_001286446.3).
Identifiers: ClinVar variation 1318100 (VCV001318100.9), dbSNP rs199905499, ClinGen allele CA3659505.
Genomic context (GRCh38, chr6:24,865,460, plus strand): 5'-ACCATCCTGGAGGCGTCGCTGGATACAATAAGCTTCATAGAGTTCATCTACCTGCCAGAA[T>G]CAAAACAGGAAACAGAAATAAATGTCAGGCTTGAAAGAAAATACATAGATCATTGTTACA-3'

ClinVar aggregate classification (germline): Likely benign. Review status: criteria provided, multiple submitters, no conflicts (2 of 4 stars). 4 submissions from 4 submitters: Likely benign (3). 1 of the submissions does not count toward it. Last evaluated 2025-03-17.

Conditions:
Autosomal recessive nonsyndromic hearing loss 104. Also called: Deafness, autosomal recessive 104. Identifiers: Orphanet 90636, MedGen C4225298, MONDO:0014675, OMIM 616515.
Autosomal dominant nonsyndromic hearing loss 21. Also called: Deafness, autosomal dominant 21. Identifiers: Orphanet 90635, MedGen C1846922, MONDO:0011761, OMIM 607017.
RIPOR2-related disorder. Also called: RIPOR2-related condition.

Allele frequency attached by ClinVar (database versions not stated): gnomAD exomes 0.00008 and 0.00015; gnomAD 0.00011 and 0.00012; TOPMed 0.00012; ExAC 0.00014; ESP Exome Variant Server 0.00017.
gnomAD v4.1: 144 of 1,594,444 alleles (0.009%); highest among the groups gnomAD compares: Non-Finnish European, 0.0047%; no homozygotes.

Submissions (4):

Labcorp Genetics (formerly Invitae), Labcorp
Classification: Likely benign. Last evaluated: 2025-03-17. Review status: criteria provided, single submitter. Criteria: Invitae Variant Classification Sherloc (09022015). Collection method: clinical testing. Allele origin: germline.

Fulgent Genetics
Classification: Likely benign for Autosomal dominant nonsyndromic hearing loss 21; Autosomal recessive nonsyndromic hearing loss 104. Last evaluated: 2021-08-12. Review status: criteria provided, single submitter. Criteria: ACMG Guidelines, 2015. Collection method: clinical testing. Allele origin: unknown.

GeneDx
Classification: Likely benign. Last evaluated: 2020-10-15. Review status: criteria provided, single submitter. Criteria: GeneDx Variant Classification Process June 2021. Collection method: clinical testing. Allele origin: germline. Affected: yes.

PreventionGenetics, part of Exact Sciences
Classification: Likely benign for RIPOR2-related condition. Last evaluated: 2023-05-20. Review status: no assertion criteria provided. Collection method: clinical testing. Allele origin: germline. Not counted in ClinVar's aggregate classification.
Comment: This variant is classified as likely benign based on ACMG/AMP sequence variant interpretation guidelines (Richards et al. 2015 PMID: 25741868, with internal and published modifications).